The following is an entry in ClinVar:

ClinVar aggregate classification (germline): Pathogenic (1 of 4 stars; one submission).

Conditions:
Neuromuscular disease caused by qualitative or quantitative defects of dystrophin. Also called: Qualitative or quantitative defects of dystrophin. Identifiers: Orphanet 207085, MedGen C5679787, MONDO:0016147.

Submission:

Women's Health and Genetics/Laboratory Corporation of America, LabCorp
Classification: Pathogenic for Neuromuscular disease caused by qualitative or quantitative defects of dystrophin. Last evaluated: 2025-03-03. Review status: criteria provided, single submitter. Criteria: LabCorp Variant Classification Summary - May 2015. Collection method: clinical testing. Allele origin: germline.
Comment: Variant summary: The variant involves the deletion of exons 43-44 in the DMD gene. This Copy Number Variant (CNV) is predicted to result in an in-frame deletion within this gene. A presumed nomenclature of c.(6117+1_6118-1)_(6438+1_6439-1)del has been designated for the purposes of this classification. The variant was absent in 16114 control chromosomes. c.(6117+1_6118-1)_(6438+1_6439-1)del has been reported in the literature in individuals affected with Duchenne or Becker muscular dystrophy (examples: Covone_1991, Taylor_2007, Chen_2013, Zhang_2019). These data indicate that the variant is likely to be associated with disease. The following publications have been ascertained in the context of this evaluation (PMID: 17259292, 31727011, 23818053, 1864612). ClinVar contains an entry for this variant (Variation ID: 832941). Based on the evidence outlined above, the variant was classified as pathogenic.

Literature cited by the submitters: PubMed 17259292; PubMed 31727011; PubMed 1864612; PubMed 23818053.

NC_000023.10:g.(31986632_32235032)_(32305819_32328198)del

Gene: DMD (dystrophin; minus strand). Cytogenetic location: Xp21.1.
Variant type: Deletion.
Identifiers: ClinVar variation 3895871 (VCV003895871.1).